The following is an entry in ClinVar:

ClinVar aggregate classification (germline): Likely benign. Review status: criteria provided, multiple submitters, no conflicts (2 of 4 stars). 3 submissions from 3 submitters: Likely benign (2). 1 of the submissions does not count toward it. Last evaluated 2025-03-14.

Conditions:
DNMT3A-related disorder. Also called: DNMT3A-related disorders; DNMT3A-related condition.
Inborn genetic diseases. Identifiers: MedGen C0950123, MeSH D030342.
Tatton-Brown-Rahman overgrowth syndrome. Also called: Tall stature-intellectual disability-facial dysmorphism syndrome; Tatton-Brown-Rahman syndrome. Identifiers: Orphanet 404443, MedGen C4014545, MONDO:0014382, OMIM 615879.

Allele frequency attached by ClinVar (database versions not stated): gnomAD exomes 0.00001; ExAC 0.00002.
gnomAD v4.1: 8 of 1,613,660 alleles (0.0005%); highest among the groups gnomAD compares: African/African-American, 0.008%; no homozygotes.

Submissions (3):

Ambry Genetics
Classification: Likely benign for Inborn genetic diseases. Last evaluated: 2025-03-14. Review status: criteria provided, single submitter. Criteria: Ambry Variant Classification Scheme 2023. Collection method: clinical testing. Allele origin: germline.

Labcorp Genetics (formerly Invitae), Labcorp
Classification: Likely benign for Tatton-Brown-Rahman overgrowth syndrome. Last evaluated: 2022-05-14. Review status: criteria provided, single submitter. Criteria: Invitae Variant Classification Sherloc (09022015). Collection method: clinical testing. Allele origin: germline.

PreventionGenetics, part of Exact Sciences
Classification: Likely benign for DNMT3A-related condition. Last evaluated: 2024-09-11. Review status: no assertion criteria provided. Collection method: clinical testing. Allele origin: germline. Not counted in ClinVar's aggregate classification.
Comment: This variant is classified as likely benign based on ACMG/AMP sequence variant interpretation guidelines (Richards et al. 2015 PMID: 25741868, with internal and published modifications).

NM_022552.5(DNMT3A):c.765C>T (p.Ser255=)

Gene: DNMT3A (DNA methyltransferase 3 alpha; minus strand). Cytogenetic location: 2p23.3.
Variant type: single nucleotide variant.
Coding change: c.765C>T on transcript NM_022552.5 (MANE Select); coding-DNA position 765, C replaced by T.
Protein change: p.Ser255=; no amino-acid change (serine 255 retained).
Molecular consequence: synonymous variant. On other transcripts: non-coding transcript variant (1).
Genome position (GRCh38, 1-based): chr2:25,248,127, G>A on the plus strand (C>T on the coding strand, the complement: DNMT3A is on the minus strand). VCF-style: chr2-25248127-G-A. GRCh37 (hg19) VCF-style: chr2-25470996-G-A.
Other names: c.765C>T (NM_022552.3); c.309C>T, p.Ser103= (NM_001320893.1); c.96C>T, p.Ser32= (NM_001375819.1); c.198C>T, p.Ser66= (NM_153759.3); c.765C>T, p.Ser255= (NM_175629.2).
Identifiers: ClinVar variation 1121801 (VCV001121801.11), dbSNP rs768369047, ClinGen allele CA1556305.